The following is an entry in ClinVar:

ClinVar aggregate classification (germline): Uncertain significance (1 of 4 stars; one submission).

Conditions:
Hypertrophic cardiomyopathy. Also called: HYPERTROPHIC MYOCARDIOPATHY. Identifiers: Orphanet 217569, MedGen C0007194, MeSH D002312, MONDO:0005045, HP:0001639.

Submission:

Labcorp Genetics (formerly Invitae), Labcorp
Classification: Uncertain significance for Hypertrophic cardiomyopathy. Last evaluated: 2025-03-19. Review status: criteria provided, single submitter. Criteria: Invitae Variant Classification Sherloc (09022015). Collection method: clinical testing. Allele origin: germline.
Comment: This sequence change replaces isoleucine, which is neutral and non-polar, with serine, which is neutral and polar, at codon 745 of the MYOM1 protein (p.Ile745Ser). This variant is not present in population databases (gnomAD no frequency). This variant has not been reported in the literature in individuals affected with MYOM1-related conditions. Invitae Evidence Modeling of protein sequence and biophysical properties (such as structural, functional, and spatial information, amino acid conservation, physicochemical variation, residue mobility, and thermodynamic stability) has been performed for this missense variant. However, the output from this modeling did not meet the statistical confidence thresholds required to predict the impact of this variant on MYOM1 protein function. In summary, the available evidence is currently insufficient to determine the role of this variant in disease. Therefore, it has been classified as a Variant of Uncertain Significance.

NM_003803.4(MYOM1):c.2234T>G (p.Ile745Ser)

Gene: MYOM1 (myomesin 1; minus strand). Cytogenetic location: 18p11.31.
Variant type: single nucleotide variant.
Coding change: c.2234T>G on transcript NM_003803.4 (MANE Select); coding-DNA position 2234, T replaced by G.
Protein change: p.Ile745Ser; replaces isoleucine 745 with serine.
Molecular consequence: missense variant.
Genome position (GRCh38, 1-based): chr18:3,134,800, A>C on the plus strand (T>G on the coding strand, the complement: MYOM1 is on the minus strand). VCF-style: chr18-3134800-A-C. GRCh37 (hg19) VCF-style: chr18-3134798-A-C.
Other names: c.2234T>G, p.Ile745Ser (NM_019856.2); short protein forms I745S.
Identifiers: ClinVar variation 4740847 (VCV004740847.1).
Genomic context (GRCh38, chr18:3,134,800, plus strand): 5'-GCATCTTTGGACTCCTCCCACGAAACTACCACTGAGGTGTCTGTGTTTCTGCTTGGGATG[A>C]TTTTGCCAGGAGCCTTGGGGATATCTGAGAAAGAGGAAAATGGTGATCAAACTCAAGTGG-3'
Protein context (NP_003794.3, residues 735-755): KLDIPKAPGK[Ile745Ser]IPSRNTDTSV